The following is an entry in ClinVar:

ClinVar aggregate classification (germline): Conflicting classifications of pathogenicity. Review status: criteria provided, conflicting classifications (1 of 4 stars). 6 submissions from 6 submitters: Uncertain significance (4); Benign (1); Likely benign (1). Last evaluated 2026-08-07.

Conditions:
Inborn genetic diseases. Identifiers: MedGen C0950123, MeSH D030342.
MYH9-related disorder. Identifiers: MedGen C1854520.

Allele frequency attached by ClinVar (database versions not stated): gnomAD 0.00005 and 0.00006; ESP Exome Variant Server 0.00008; TOPMed 0.00010.
gnomAD v4.1: 64 of 1,613,938 alleles (0.004%); highest among the groups gnomAD compares: East Asian, 0.024%; no homozygotes.

Submissions (6):

PreventionGenetics, part of Exact Sciences
Classification: Uncertain significance for MYH9-related condition. Last evaluated: 2026-08-07. Review status: criteria provided, single submitter. Criteria: ACMG Guidelines, 2015. Collection method: clinical testing. Allele origin: germline.
Comment: The MYH9 c.3676C>T variant is predicted to result in the amino acid substitution p.Arg1226Trp. This variant was reported in an individual with cleft lip (Peng et al. 2016. PubMed ID: 27527345). This variant is reported in 0.040% of alleles in individuals of East Asian descent in gnomAD. Although we suspect this variant may be benign due to the relatively high allele frequency in the general population, at this time, the clinical significance of this variant is uncertain due to the absence of conclusive functional and genetic evidence.

Labcorp Genetics (formerly Invitae), Labcorp
Classification: Likely benign. Last evaluated: 2025-10-17. Review status: criteria provided, single submitter. Criteria: Invitae Variant Classification Sherloc (09022015). Collection method: clinical testing. Allele origin: germline.

Mayo Clinic Laboratories, Mayo Clinic
Classification: Uncertain significance. Last evaluated: 2025-01-03. Review status: criteria provided, single submitter. Criteria: ACMG Guidelines, 2015. Collection method: clinical testing. Allele origin: germline. Observed: 1 variant allele.
Comment: BS1_supporting, PP2

Blueprint Genetics
Classification: Benign. Last evaluated: 2024-08-12. Review status: criteria provided, single submitter. Criteria: ACMG Guidelines, 2015. Collection method: clinical testing. Allele origin: germline.

GeneDx
Classification: Uncertain significance. Last evaluated: 2024-06-11. Review status: criteria provided, single submitter. Criteria: GeneDx Variant Classification Process June 2021. Collection method: clinical testing. Allele origin: germline. Affected: yes.
Comment: In silico analysis supports that this missense variant has a deleterious effect on protein structure/function; This variant is associated with the following publications: (PMID: 30942463, 27527345)

Ambry Genetics
Classification: Uncertain significance for Inborn genetic diseases. Last evaluated: 2023-11-22. Review status: criteria provided, single submitter. Criteria: Ambry Variant Classification Scheme 2023. Collection method: clinical testing. Allele origin: germline.

NM_002473.6(MYH9):c.3676C>T (p.Arg1226Trp)

Gene: MYH9 (myosin heavy chain 9; minus strand). Cytogenetic location: 22q12.3.
Variant type: single nucleotide variant.
Coding change: c.3676C>T on transcript NM_002473.6 (MANE Select); coding-DNA position 3676, C replaced by T.
Protein change: p.Arg1226Trp; replaces arginine 1226 with tryptophan.
Molecular consequence: missense variant.
Genome position (GRCh38, 1-based): chr22:36,294,253, G>A on the plus strand (C>T on the coding strand, the complement: MYH9 is on the minus strand). VCF-style: chr22-36294253-G-A. GRCh37 (hg19) VCF-style: chr22-36690299-G-A.
Other names: p.Arg1226Trp; c.3676C>T (NM_002473.5); short protein forms R1226W.
Identifiers: ClinVar variation 1208208 (VCV001208208.17), dbSNP rs375797448, ClinGen allele CA10209595.